The following is an entry in ClinVar:

NM_001184.4(ATR):c.4790A>G (p.Gln1597Arg)

Gene: ATR (ATR checkpoint kinase; minus strand). Cytogenetic location: 3q23.
Variant type: single nucleotide variant.
Coding change: c.4790A>G on transcript NM_001184.4 (MANE Select); coding-DNA position 4790, A replaced by G.
Protein change: p.Gln1597Arg; replaces glutamine 1597 with arginine.
Molecular consequence: missense variant.
Genome position (GRCh38, 1-based): chr3:142,512,322, T>C on the plus strand (A>G on the coding strand, the complement: ATR is on the minus strand). VCF-style: chr3-142512322-T-C. GRCh37 (hg19) VCF-style: chr3-142231164-T-C.
Other names: c.4598A>G, p.Gln1533Arg (NM_001354579.2); short protein forms Q1533R, Q1597R.
Identifiers: ClinVar variation 1061539 (VCV001061539.9), dbSNP rs2108371462, ClinGen allele CA354795259.

ClinVar aggregate classification (germline): Uncertain significance (1 of 4 stars; one submission).

Submission:

Labcorp Genetics (formerly Invitae), Labcorp
Classification: Uncertain significance. Last evaluated: 2020-03-31. Review status: criteria provided, single submitter. Criteria: Invitae Variant Classification Sherloc (09022015). Collection method: clinical testing. Allele origin: germline.
Comment: In summary, the available evidence is currently insufficient to determine the role of this variant in disease. Therefore, it has been classified as a Variant of Uncertain Significance. This sequence change replaces glutamine with arginine at codon 1597 of the ATR protein (p.Gln1597Arg). The glutamine residue is moderately conserved and there is a small physicochemical difference between glutamine and arginine. This variant is not present in population databases (ExAC no frequency). Algorithms developed to predict the effect of missense changes on protein structure and function are either unavailable or do not agree on the potential impact of this missense change (SIFT: "Tolerated"; PolyPhen-2: "Possibly Damaging"; Align-GVGD: "Class C0"). This variant has not been reported in the literature in individuals with ATR-related conditions.